The following is an entry in ClinVar:

NM_153240.5(NPHP3):c.823+3A>G

Genes: NPHP3 (nephrocystin 3; minus strand), NPHP3-ACAD11 (NPHP3-ACAD11 readthrough (NMD candidate); minus strand). Cytogenetic location: 3q22.1.
Variant type: single nucleotide variant.
Coding change: c.823+3A>G on transcript NM_153240.5 (MANE Select); 3 bases into the intron after coding-DNA position 823, A replaced by G.
Molecular consequence: intron variant.
Genome position (GRCh38, 1-based): chr3:132,716,754, T>C on the plus strand (A>G on the coding strand, the complement: NPHP3 is on the minus strand). VCF-style: chr3-132716754-T-C. GRCh37 (hg19) VCF-style: chr3-132435598-T-C.
Identifiers: ClinVar variation 3731291 (VCV003731291.3).
Genomic context (GRCh38, chr3:132,716,754, plus strand): 5'-AAGATTATAAAACATGAACAGTCACTACCACTAGGCAAGTAATTGACAAACAGCATGTAT[T>C]ACCTCTATTAACATTTGCAAAGGGTCCTTCCACATCTATAGAACTATGGGCAAACTCAGG-3'

ClinVar aggregate classification (germline): Uncertain significance. Review status: criteria provided, multiple submitters, no conflicts (2 of 4 stars). 3 submissions from 3 submitters: Uncertain significance (3). Last evaluated 2026-05-10.

Conditions:
Nephronophthisis 3 (NPHP3). Also called: Adolescent nephronophthisis. Identifiers: Orphanet 655, MedGen C1858392, MONDO:0011456, OMIM 604387.

Submissions (3):

Women's Health and Genetics/Laboratory Corporation of America, LabCorp
Classification: Uncertain significance. Last evaluated: 2026-05-10. Review status: criteria provided, single submitter. Criteria: LabCorp Variant Classification Summary - May 2015. Collection method: clinical testing. Allele origin: germline.

Blueprint Genetics
Classification: Uncertain significance. Last evaluated: 2024-02-28. Review status: criteria provided, single submitter. Criteria: ACMG Guidelines, 2015. Collection method: clinical testing. Allele origin: germline.

Neuberg Centre For Genomic Medicine, NCGM
Classification: Uncertain significance for Nephronophthisis 3. Last evaluated: 2023-06-22. Review status: criteria provided, single submitter. Criteria: ACMG Guidelines, 2015. Collection method: clinical testing. Allele origin: germline. Inheritance: Autosomal recessive inheritance. Affected: yes.
Comment: The splice region c.823+3A>G variant in NPHP3 gene has not been reported previously as a pathogenic variant nor as a benign variant, to our knowledge. The c.823+3A>G variant is present with allele frequency of 0.001% in gnomAD Exomes. This variant has not been reported to the ClinVar database. SpliceAI predicts this variant to cause donor loss (0.07). For these reasons, this variant has been classified as a Variant of Uncertain Significance (VUS). In absence of another reportable variant in NPHP3 gene, the molecular diagnosis is not confirmed.